The following is an entry in ClinVar:

ClinVar aggregate classification (germline): Uncertain significance (1 of 4 stars; one submission).

Conditions:
Autosomal recessive ataxia, Beauce type. Also called: SYNE1-Related Autosomal Recessive Cerebellar Ataxia; Spinocerebellar ataxia, autosomal recessive 8; ATAXIA, RECESSIVE, OF BEAUCE; SYNE1 Deficiency. Identifiers: Orphanet 88644, MedGen C1853116, MONDO:0012549, OMIM 610743.
Emery-Dreifuss muscular dystrophy 4, autosomal dominant (EDMD4). Also called: EMERY-DREIFUSS MUSCULAR DYSTROPHY 4 WITH VARIABLE FEATURES. Identifiers: Orphanet 261, MedGen C2751807, MONDO:0013071, OMIM 612998.

Allele frequency attached by ClinVar (database versions not stated): ExAC 0.00003; gnomAD 0.00003; 1000 Genomes Project 30x 0.00016; 1000 Genomes Project 0.00020.
gnomAD v4.1: 35 of 1,614,088 alleles (0.0022%); highest among the groups gnomAD compares: Admixed American, 0.0067%; no homozygotes.

Submission:

Labcorp Genetics (formerly Invitae), Labcorp
Classification: Uncertain significance for Emery-Dreifuss muscular dystrophy 4, autosomal dominant; Autosomal recessive ataxia, Beauce type. Last evaluated: 2023-12-03. Review status: criteria provided, single submitter. Criteria: Invitae Variant Classification Sherloc (09022015). Collection method: clinical testing. Allele origin: germline.
Comment: This sequence change replaces aspartic acid, which is acidic and polar, with asparagine, which is neutral and polar, at codon 7205 of the SYNE1 protein (p.Asp7205Asn). This variant is present in population databases (rs552217419, gnomAD 0.009%). This variant has not been reported in the literature in individuals affected with SYNE1-related conditions. ClinVar contains an entry for this variant (Variation ID: 2166630). An algorithm developed to predict the effect of missense changes on protein structure and function (PolyPhen-2) suggests that this variant is likely to be disruptive. In summary, the available evidence is currently insufficient to determine the role of this variant in disease. Therefore, it has been classified as a Variant of Uncertain Significance.

NM_182961.4(SYNE1):c.21826G>A (p.Asp7276Asn)

Gene: SYNE1 (spectrin repeat containing nuclear envelope protein 1; minus strand). Cytogenetic location: 6q25.2.
Variant type: single nucleotide variant.
Coding change: c.21826G>A on transcript NM_182961.4 (MANE Select); coding-DNA position 21826, G replaced by A.
Protein change: p.Asp7276Asn; replaces aspartic acid 7276 with asparagine.
Molecular consequence: missense variant.
Genome position (GRCh38, 1-based): chr6:152,220,877, C>T on the plus strand (G>A on the coding strand, the complement: SYNE1 is on the minus strand). VCF-style: chr6-152220877-C-T. GRCh37 (hg19) VCF-style: chr6-152542012-C-T.
Other names: c.21613G>A, p.Asp7205Asn (NM_033071.5); short protein forms D7276N, D7205N.
Identifiers: ClinVar variation 2166630 (VCV002166630.3), dbSNP rs552217419, ClinGen allele CA4054051.